The following is an entry in ClinVar:

ClinVar aggregate classification (germline): Pathogenic. Review status: criteria provided, multiple submitters, no conflicts (2 of 4 stars). 3 submissions from 3 submitters: Pathogenic (3). Last evaluated 2025-06-27.

Conditions:
Hereditary diffuse gastric adenocarcinoma (HDGC). Also called: DIFFUSE GASTRIC AND LOBULAR BREAST CANCER SYNDROME. Identifiers: Orphanet 26106, MedGen C1708349, MONDO:0007648, OMIM 137215.
Hereditary cancer-predisposing syndrome. Also called: Neoplastic Syndromes, Hereditary; Hereditary Cancer Syndrome; Hereditary neoplastic syndrome; Tumor predisposition. Identifiers: Orphanet 140162, MedGen C0027672, MeSH D009386, MONDO:0015356.

Submissions (3):

Ambry Genetics
Classification: Pathogenic for Hereditary cancer-predisposing syndrome. Last evaluated: 2025-06-27. Review status: criteria provided, single submitter. Criteria: Ambry Variant Classification Scheme 2023. Collection method: clinical testing. Allele origin: germline.
Comment: The c.1246_1249delGTTA pathogenic mutation, located in coding exon 8 of the CTNNA1 gene, results from a deletion of 4 nucleotides at nucleotide positions 1246 to 1249, causing a translational frameshift with a predicted alternate stop codon. This variant is considered to be rare based on population cohorts in the Genome Aggregation Database (gnomAD). In one study, this alteration was identified in 1/151,425 individuals who underwent multi-gene germline genetic testing and classified as a variant of uncertain significance by the authors (Clark DF et al. Genet Med, 2020 May;22:840-846). This alteration is expected to result in loss of function by premature protein truncation or nonsense-mediated mRNA decay. As such, this alteration is interpreted as a disease-causing mutation.

Labcorp Genetics (formerly Invitae), Labcorp
Classification: Pathogenic. Last evaluated: 2024-04-17. Review status: criteria provided, single submitter. Criteria: Invitae Variant Classification Sherloc (09022015). Collection method: clinical testing. Allele origin: germline.
Comment: This sequence change creates a premature translational stop signal (p.Val416Argfs*14) in the CTNNA1 gene. It is expected to result in an absent or disrupted protein product. Loss-of-function variants in CTNNA1 are known to be pathogenic (PMID: 32051609, 34425242). This variant is present in population databases (no rsID available, gnomAD 0.007%). This variant has not been reported in the literature in individuals affected with CTNNA1-related conditions. ClinVar contains an entry for this variant (Variation ID: 850632). For these reasons, this variant has been classified as Pathogenic.

Myriad Genetics, Inc.
Classification: Pathogenic for Hereditary diffuse gastric adenocarcinoma. Last evaluated: 2023-07-17. Review status: criteria provided, single submitter. Criteria: Myriad Autosomal Dominant, Autosomal Recessive and X-Linked Classification Criteria (2023). Collection method: clinical testing. Allele origin: unknown.
Comment: This variant is considered pathogenic. This variant creates a frameshift predicted to result in premature protein truncation.

Literature cited by the submitters: PubMed 32051609 (cited by Ambry Genetics and Labcorp Genetics (formerly Invitae), Labcorp); PubMed 34425242 (cited by Labcorp Genetics (formerly Invitae), Labcorp).

NM_001903.5(CTNNA1):c.1246_1249del (p.Val416fs)

Gene: CTNNA1 (catenin alpha 1; plus strand). Cytogenetic location: 5q31.2.
Variant type: Deletion.
Coding change: c.1246_1249del on transcript NM_001903.5 (MANE Select); coding-DNA positions 1246 to 1249, 4 bases deleted (GTTA; older notation c.1246_1249delGTTA).
Protein change: p.Val416fs; shifts the reading frame from valine 416.
Molecular consequence: frameshift variant. On other transcripts: intron variant (2), 5 prime UTR variant (5).
Genome position (GRCh38, 1-based): chr5:138,887,592-138,887,595, GTTA deleted; deleting any 4 consecutive bases within chr5:138,887,591-138,887,595 gives the same sequence; the c. name uses the placement nearest the transcript's 3' end. VCF-style (leftmost placement, unchanged base first): chr5-138887590-AAGTT-A. GRCh37 (hg19) VCF-style: chr5-138223279-AAGTT-A.
Other names: c.-61+11995_-61+11998del (NM_001324010.1); c.1246_1249delGTTA (NM_001903.2); c.1246_1249del, p.Val416fs (NM_001290307.3, NM_001323982.2, NM_001323983.1 and 3 more transcripts); c.937_940del, p.Val313fs (NM_001290309.3); c.877_880del, p.Val293fs (NM_001290310.3); c.136_139del, p.Val46fs (NM_001290312.1, NM_001323987.1, NM_001323988.1 and 18 more transcripts); c.-262_-259del (NM_001324006.1, NM_001324007.1, NM_001324008.1 and 1 more transcripts); c.-137_-134del (NM_001324013.1); and 1 more; short protein forms V416fs, V293fs, V46fs, V313fs.
Identifiers: ClinVar variation 850632 (VCV000850632.10), dbSNP rs1426385729, ClinGen allele CA563299185.